The following is an entry in ClinVar:

NM_177438.3(DICER1):c.482A>C (p.Asn161Thr)

Gene: DICER1 (dicer 1, ribonuclease III; minus strand). Cytogenetic location: 14q32.13.
Variant type: single nucleotide variant.
Coding change: c.482A>C on transcript NM_177438.3 (MANE Select); coding-DNA position 482, A replaced by C.
Protein change: p.Asn161Thr; replaces asparagine 161 with threonine.
Molecular consequence: missense variant.
Genome position (GRCh38, 1-based): chr14:95,130,149, T>G on the plus strand (A>C on the coding strand, the complement: DICER1 is on the minus strand). VCF-style: chr14-95130149-T-G. GRCh37 (hg19) VCF-style: chr14-95596486-T-G.
Other names: c.482A>C, p.Asn161Thr (NM_001195573.1, NM_001271282.3, NM_001291628.2 and 1 more transcripts); short protein forms N161T.
Identifiers: ClinVar variation 1414838 (VCV001414838.9), dbSNP rs1595459165, ClinGen allele CA390888524.

ClinVar aggregate classification (germline): Uncertain significance (1 of 4 stars; one submission).

Conditions:
DICER1-related tumor predisposition. Also called: DICER1-related pleuropulmonary blastoma cancer predisposition syndrome; DICER1 syndrome. Identifiers: Orphanet 284343, MedGen C3839822, MONDO:0100216.

Allele frequency attached by ClinVar (database versions not stated): gnomAD exomes below 0.00001.

Submission:

Labcorp Genetics (formerly Invitae), Labcorp
Classification: Uncertain significance for DICER1-related tumor predisposition. Last evaluated: 2023-04-08. Review status: criteria provided, single submitter. Criteria: Invitae Variant Classification Sherloc (09022015). Collection method: clinical testing. Allele origin: germline.
Comment: ClinVar contains an entry for this variant (Variation ID: 1414838). This variant has not been reported in the literature in individuals affected with DICER1-related conditions. This variant is not present in population databases (gnomAD no frequency). This sequence change replaces asparagine, which is neutral and polar, with threonine, which is neutral and polar, at codon 161 of the DICER1 protein (p.Asn161Thr). In summary, the available evidence is currently insufficient to determine the role of this variant in disease. Therefore, it has been classified as a Variant of Uncertain Significance. Advanced modeling of protein sequence and biophysical properties (such as structural, functional, and spatial information, amino acid conservation, physicochemical variation, residue mobility, and thermodynamic stability) performed at Invitae indicates that this missense variant is not expected to disrupt DICER1 protein function.